The following is an entry in ClinVar:

ClinVar aggregate classification (germline): Uncertain significance. Review status: criteria provided, multiple submitters, no conflicts (2 of 4 stars). 2 submissions from 2 submitters: Uncertain significance (2). Last evaluated 2024-09-18.

Allele frequency attached by ClinVar (database versions not stated): gnomAD exomes below 0.00001; gnomAD 0.00002.

Submissions (2):

GeneDx
Classification: Uncertain significance. Last evaluated: 2024-09-18. Review status: criteria provided, single submitter. Criteria: GeneDx Variant Classification Process June 2021. Collection method: clinical testing. Allele origin: germline. Affected: yes.
Comment: In silico analysis supports a deleterious effect on splicing; Has not been previously published as pathogenic or benign to our knowledge

Labcorp Genetics (formerly Invitae), Labcorp
Classification: Uncertain significance. Last evaluated: 2021-07-09. Review status: criteria provided, single submitter. Criteria: Invitae Variant Classification Sherloc (09022015). Collection method: clinical testing. Allele origin: germline.
Comment: In summary, the available evidence is currently insufficient to determine the role of this variant in disease. Therefore, it has been classified as a Variant of Uncertain Significance. Algorithms developed to predict the effect of sequence changes on RNA splicing suggest that this variant may create or strengthen a splice site, but this prediction has not been confirmed by published transcriptional studies. This variant has not been reported in the literature in individuals with PKDCC-related conditions. This variant is not present in population databases (ExAC no frequency). This sequence change falls in intron 1 of the PKDCC gene. It does not directly change the encoded amino acid sequence of the PKDCC protein.

NM_138370.3(PKDCC):c.640-12G>A

Gene: PKDCC (protein kinase domain containing, cytoplasmic; plus strand). Cytogenetic location: 2p21.
Variant type: single nucleotide variant.
Coding change: c.640-12G>A on transcript NM_138370.3 (MANE Select); 12 bases into the intron before coding-DNA position 640, G replaced by A.
Molecular consequence: intron variant.
Genome position (GRCh38, 1-based): chr2:42,053,227, G>A. VCF-style: chr2-42053227-G-A. GRCh37 (hg19) VCF-style: chr2-42280367-G-A.
Identifiers: ClinVar variation 1395437 (VCV001395437.9), dbSNP rs759683595, ClinGen allele CA532017237.